The following is an entry in ClinVar:

ClinVar aggregate classification (germline): Uncertain significance (1 of 4 stars; one submission).

Conditions:
Long QT syndrome (LQTS). Identifiers: MedGen C0023976, MeSH D008133, MONDO:0002442. Disease mechanism: loss of function. Inheritance: Various modes of inheritance.

Allele frequency attached by ClinVar (database versions not stated): gnomAD 0.00001.
gnomAD v4.1: 1 of 1,613,622 alleles (0.000062%); highest among the groups gnomAD compares: African/African-American, 0.0013%; no homozygotes.

Submission:

Labcorp Genetics (formerly Invitae), Labcorp
Classification: Uncertain significance for Long QT syndrome. Last evaluated: 2022-08-22. Review status: criteria provided, single submitter. Criteria: Invitae Variant Classification Sherloc (09022015). Collection method: clinical testing. Allele origin: germline.
Comment: This sequence change replaces arginine, which is basic and polar, with cysteine, which is neutral and slightly polar, at codon 858 of the CACNA1C protein (p.Arg858Cys). This variant is present in population databases (no rsID available, gnomAD 0.01%). This variant has not been reported in the literature in individuals affected with CACNA1C-related conditions. ClinVar contains an entry for this variant (Variation ID: 1415630). Algorithms developed to predict the effect of missense changes on protein structure and function are either unavailable or do not agree on the potential impact of this missense change (SIFT: "Deleterious"; PolyPhen-2: "Probably Damaging"; Align-GVGD: "Class C0"). This variant disrupts the p.Arg858 amino acid residue in CACNA1C. Other variant(s) that disrupt this residue have been determined to be pathogenic (PMID: 23174487, 23631430, 24728418, 29016939, 30345660). This suggests that this residue is clinically significant, and that variants that disrupt this residue are likely to be disease-causing. In summary, the available evidence is currently insufficient to determine the role of this variant in disease. Therefore, it has been classified as a Variant of Uncertain Significance.

Literature cited by the submitters: PubMed 23174487; PubMed 23631430; PubMed 24728418; PubMed 29016939; PubMed 30345660.

NM_000719.7(CACNA1C):c.2572C>T (p.Arg858Cys)

Gene: CACNA1C (calcium voltage-gated channel subunit alpha1 C; plus strand). Cytogenetic location: 12p13.33.
Variant type: single nucleotide variant.
Coding change: c.2572C>T on transcript NM_000719.7 (MANE Select); coding-DNA position 2572, C replaced by T.
Protein change: p.Arg858Cys; replaces arginine 858 with cysteine.
Molecular consequence: missense variant.
Genome position (GRCh38, 1-based): chr12:2,593,254, C>T. VCF-style: chr12-2593254-C-T. GRCh37 (hg19) VCF-style: chr12-2702420-C-T.
Other names: c.2572C>T, p.Arg858Cys (NM_001129840.2, NM_001129841.2, NM_001129842.2 and 18 more transcripts); c.2563C>T, p.Arg855Cys (NM_001129844.2); short protein forms R858C, R855C.
Identifiers: ClinVar variation 1415630 (VCV001415630.6), dbSNP rs1409860214, ClinGen allele CA383372150.